The following is an entry in ClinVar:

NM_001386795.1(DTNA):c.149-181T>C

Gene: DTNA (dystrobrevin alpha; plus strand). Cytogenetic location: 18q12.1.
Variant type: single nucleotide variant.
Coding change: c.149-181T>C on transcript NM_001386795.1 (MANE Select); 181 bases into the intron before coding-DNA position 149, T replaced by C.
Molecular consequence: intron variant.
Genome position (GRCh38, 1-based): chr18:34,793,856, T>C. VCF-style: chr18-34793856-T-C. GRCh37 (hg19) VCF-style: chr18-32373820-T-C.
Other names: c.149-181T>C (NM_032975.4, NM_001386761.1, NM_001386762.1 and 35 more transcripts).
Identifiers: ClinVar variation 675744 (VCV000675744.1), dbSNP rs73412657, ClinGen allele CA298587981.

ClinVar aggregate classification (germline): Benign (1 of 4 stars; one submission).

Allele frequency attached by ClinVar (database versions not stated): gnomAD 0.01544 and 0.01642; TOPMed 0.01874; 1000 Genomes Project 0.02017; 1000 Genomes Project 30x 0.02092.
gnomAD v4.1: 2,330 of 152,358 alleles (1.5%); highest among the groups gnomAD compares: African/African-American, 5.2%; 59 homozygotes.

Submission:

GeneDx
Classification: Benign. Last evaluated: 2018-06-16. Review status: criteria provided, single submitter. Criteria: GeneDx Variant Classification (06012015). Collection method: clinical testing. Allele origin: germline. Affected: yes.
Comment: This variant is considered likely benign or benign based on one or more of the following criteria: it is a conservative change, it occurs at a poorly conserved position in the protein, it is predicted to be benign by multiple in silico algorithms, and/or has population frequency not consistent with disease.